The following is an entry in ClinVar:

NM_000053.4(ATP7B):c.463C>T (p.Gln155Ter)

Gene: ATP7B (ATPase copper transporting beta; minus strand). Cytogenetic location: 13q14.3.
Variant type: single nucleotide variant.
Coding change: c.463C>T on transcript NM_000053.4 (MANE Select); coding-DNA position 463, C replaced by T.
Protein change: p.Gln155Ter; replaces glutamine 155 with a stop codon.
Molecular consequence: nonsense.
Genome position (GRCh38, 1-based): chr13:51,974,757, G>A on the plus strand (C>T on the coding strand, the complement: ATP7B is on the minus strand). VCF-style: chr13-51974757-G-A. GRCh37 (hg19) VCF-style: chr13-52548893-G-A.
Other names: c.463C>T, p.Gln155Ter (NM_001406527.1, NM_001406526.1, NM_001406528.1 and 30 more transcripts); c.367C>T, p.Gln123Ter (NM_001406530.1, NM_001406536.1, NM_001406517.1 and 4 more transcripts); short protein forms Q123*, Q155*.
Identifiers: ClinVar variation 3773922 (VCV003773922.2).

ClinVar aggregate classification (germline): Pathogenic. Review status: criteria provided, multiple submitters, no conflicts (2 of 4 stars). 2 submissions from 2 submitters: Pathogenic (2). Last evaluated 2025-12-29.

Conditions:
Wilson disease (WND). Also called: Wilson's disease. Identifiers: Orphanet 905, MedGen C0019202, MONDO:0010200, OMIM 277900. Disease mechanism: loss of function.

gnomAD v4.1: 2 of 1,614,160 alleles (0.00012%); highest among the groups gnomAD compares: Non-Finnish European, 0.000085%; no homozygotes.

Submissions (2):

Labcorp Genetics (formerly Invitae), Labcorp
Classification: Pathogenic for Wilson disease. Last evaluated: 2025-12-29. Review status: criteria provided, single submitter. Criteria: Invitae Variant Classification Sherloc (09022015). Collection method: clinical testing. Allele origin: germline.
Comment: This sequence change creates a premature translational stop signal (p.Gln155*) in the ATP7B gene. It is expected to result in an absent or disrupted protein product. Loss-of-function variants in ATP7B are known to be pathogenic (PMID: 10441329, 16283883). This variant is not present in population databases (gnomAD no frequency). This premature translational stop signal has been observed in individual(s) with Wilson disease (PMID: 17949296). ClinVar contains an entry for this variant (Variation ID: 3773922). For these reasons, this variant has been classified as Pathogenic.

GeneDx
Classification: Pathogenic. Last evaluated: 2024-09-18. Review status: criteria provided, single submitter. Criteria: GeneDx Variant Classification Process June 2021. Collection method: clinical testing. Allele origin: germline. Affected: yes.
Comment: Identified in a patient with Wilson disease; it is unknown if this patient harbored a second ATP7B variant (PMID: 17949296); Nonsense variant predicted to result in protein truncation or nonsense mediated decay in a gene for which loss of function is a known mechanism of disease; Not observed at significant frequency in large population cohorts (gnomAD); This variant is associated with the following publications: (PMID: 17949296)

Literature cited by the submitters: PubMed 10441329 (cited by Labcorp Genetics (formerly Invitae), Labcorp); PubMed 16283883 (cited by Labcorp Genetics (formerly Invitae), Labcorp); PubMed 17949296 (cited by Labcorp Genetics (formerly Invitae), Labcorp).